The following is an entry in ClinVar:

ClinVar aggregate classification (germline): Uncertain significance (1 of 4 stars; one submission).

Conditions:
Neuropathy, hereditary sensory and autonomic, type 2A (HSAN2A). Also called: MORVAN DISEASE; NEUROPATHY, CONGENITAL SENSORY; NEUROPATHY, HEREDITARY SENSORY RADICULAR, AUTOSOMAL RECESSIVE; NEUROPATHY, HEREDITARY SENSORY, TYPE IIA; NEUROPATHY, PROGRESSIVE SENSORY, OF CHILDREN; WNK1-Related HSAN2 (HSAN2A). Identifiers: Orphanet 970, MedGen C2752089, MONDO:0024309, OMIM 201300.
Pseudohypoaldosteronism type 2C (PHA2C). Also called: Pseudohypoaldosteronism Type IIC. Identifiers: Orphanet 757, Orphanet 88940, MedGen C1840391, MONDO:0013778, OMIM 614492.

Submission:

Labcorp Genetics (formerly Invitae), Labcorp
Classification: Uncertain significance for Neuropathy, hereditary sensory and autonomic, type 2A; Pseudohypoaldosteronism type 2C. Last evaluated: 2020-08-08. Review status: criteria provided, single submitter. Criteria: Invitae Variant Classification Sherloc (09022015). Collection method: clinical testing. Allele origin: germline.
Comment: This variant is not present in population databases (ExAC no frequency). This sequence change replaces serine with proline at codon 1785 of the WNK1 protein (p.Ser1785Pro). The serine residue is moderately conserved and there is a moderate physicochemical difference between serine and proline. This variant has not been reported in the literature in individuals with WNK1-related conditions. Advanced modeling of protein sequence and biophysical properties (such as structural, functional, and spatial information, amino acid conservation, physicochemical variation, residue mobility, and thermodynamic stability) performed at Invitae indicates that this missense variant is not expected to disrupt WNK1 protein function. In summary, the available evidence is currently insufficient to determine the role of this variant in disease. Therefore, it has been classified as a Variant of Uncertain Significance.

NM_018979.4(WNK1):c.4597T>C (p.Ser1533Pro)

Gene: WNK1 (WNK lysine deficient protein kinase 1; plus strand). Cytogenetic location: 12p13.33.
Variant type: single nucleotide variant.
Coding change: c.4597T>C on transcript NM_018979.4 (MANE Select); coding-DNA position 4597, T replaced by C.
Protein change: p.Ser1533Pro; replaces serine 1533 with proline.
Molecular consequence: missense variant.
Genome position (GRCh38, 1-based): chr12:885,401, T>C. VCF-style: chr12-885401-T-C. GRCh37 (hg19) VCF-style: chr12-994567-T-C.
Other names: c.5377T>C, p.Ser1793Pro (NM_001184985.2); c.3856T>C, p.Ser1286Pro (NM_014823.3); c.5353T>C, p.Ser1785Pro (NM_213655.5); short protein forms S1286P, S1533P, S1793P, S1785P.
Identifiers: ClinVar variation 1044054 (VCV001044054.8), dbSNP rs1953559786, ClinGen allele CA383331550.
Genomic context (GRCh38, chr12:885,401, plus strand): 5'-ACTTCTACTCCTACTTTAGCTGAAACCGTGGTAGTTAGCGCACACTCACTAGATAAGACA[T>C]CTCATAGCAGTACAACTGGATTGGCTTTCTCCCTCTCTGCACCATCTTCCTCTTCCTCTC-3'
Protein context (NP_061852.3, residues 1523-1543): VVSAHSLDKT[Ser1533Pro]HSSTTGLAFS